The following is an entry in ClinVar:

ClinVar aggregate classification (germline): Uncertain significance (1 of 4 stars; one submission).

Submission:

Labcorp Genetics (formerly Invitae), Labcorp
Classification: Uncertain significance. Last evaluated: 2025-05-28. Review status: criteria provided, single submitter. Criteria: Invitae Variant Classification Sherloc (09022015). Collection method: clinical testing. Allele origin: germline.
Comment: This sequence change replaces glutamine, which is neutral and polar, with arginine, which is basic and polar, at codon 141 of the OTULIN protein (p.Gln141Arg). This variant is not present in population databases (gnomAD no frequency). This variant has not been reported in the literature in individuals affected with OTULIN-related conditions. Invitae Evidence Modeling of protein sequence and biophysical properties (such as structural, functional, and spatial information, amino acid conservation, physicochemical variation, residue mobility, and thermodynamic stability) indicates that this missense variant is not expected to disrupt OTULIN protein function with a negative predictive value of 80%. In summary, the available evidence is currently insufficient to determine the role of this variant in disease. Therefore, it has been classified as a Variant of Uncertain Significance.

NM_138348.6(OTULIN):c.422A>G (p.Gln141Arg)

Gene: OTULIN (OTU deubiquitinase with linear linkage specificity; plus strand). Cytogenetic location: 5p15.2.
Variant type: single nucleotide variant.
Coding change: c.422A>G on transcript NM_138348.6 (MANE Select); coding-DNA position 422, A replaced by G.
Protein change: p.Gln141Arg; replaces glutamine 141 with arginine.
Molecular consequence: missense variant.
Genome position (GRCh38, 1-based): chr5:14,681,561, A>G. VCF-style: chr5-14681561-A-G. GRCh37 (hg19) VCF-style: chr5-14681670-A-G.
Other names: short protein forms Q141R.
Identifiers: ClinVar variation 4805216 (VCV004805216.1).